The following is an entry in ClinVar:

NC_000019.9:g.(?_49684596)_(49694040_?)dup

Gene: TRPM4 (transient receptor potential cation channel subfamily M member 4; plus strand). Cytogenetic location: 19q13.33.
Variant type: Duplication.
Identifiers: ClinVar variation 1056288 (VCV001056288.1).

ClinVar aggregate classification (germline): Uncertain significance (1 of 4 stars; one submission).

Conditions:
Progressive familial heart block type IB (PFHB1B). Identifiers: Orphanet 871, MedGen C1970298, MONDO:0011474, OMIM 604559.

Submission:

Labcorp Genetics (formerly Invitae), Labcorp
Classification: Uncertain significance for Progressive familial heart block type IB. Last evaluated: 2020-02-18. Review status: criteria provided, single submitter. Criteria: Invitae Variant Classification Sherloc (09022015). Collection method: clinical testing. Allele origin: germline.
Comment: This variant results in a copy number gain of the genomic region encompassing exons 10-16 of the TRPM4 gene. While the exact position of this variant cannot be determined from this data, sub-genic copy number gains are generally in tandem (PMID: 25640679) and may result in an absent or disrupted protein product. This variant has not been reported in the literature in individuals with TRPM4-related conditions. The current clinical and genetic evidence is not sufficient to establish whether loss-of-function variants in TRPM4 cause disease. In summary, the available evidence is currently insufficient to determine the role of this variant in disease. Therefore, it has been classified as a Variant of Uncertain Significance.

Literature cited by the submitters: PubMed 25640679.